The following is an entry in ClinVar:

ClinVar aggregate classification (germline): Uncertain significance (1 of 4 stars; one submission).

Conditions:
Progressive myoclonic epilepsy. Also called: Familial progressive myoclonic epilepsy; Myoclonic Epilepsies, Progressive; Myoclonus epilepsy; Progressive myoclonus epilepsy. Identifiers: Orphanet 308, Orphanet 98261, MedGen C0751778, MONDO:0020074.

Allele frequency attached by ClinVar (database versions not stated): gnomAD exomes below 0.00001.
gnomAD v4.1: 1 of 1,613,570 alleles (0.000062%); highest among the groups gnomAD compares: South Asian, 0.0011%; no homozygotes.

Submission:

Labcorp Genetics (formerly Invitae), Labcorp
Classification: Uncertain significance for Progressive myoclonic epilepsy. Last evaluated: 2022-08-20. Review status: criteria provided, single submitter. Criteria: Invitae Variant Classification Sherloc (09022015). Collection method: clinical testing. Allele origin: germline.
Comment: This sequence change falls in intron 5 of the SCARB2 gene. It does not directly change the encoded amino acid sequence of the SCARB2 protein. It affects a nucleotide within the consensus splice site. This variant is not present in population databases (gnomAD no frequency). This variant has not been reported in the literature in individuals affected with SCARB2-related conditions. Variants that disrupt the consensus splice site are a relatively common cause of aberrant splicing (PMID: 17576681, 9536098). Algorithms developed to predict the effect of sequence changes on RNA splicing suggest that this variant is not likely to affect RNA splicing. In summary, the available evidence is currently insufficient to determine the role of this variant in disease. Therefore, it has been classified as a Variant of Uncertain Significance.

Literature cited by the submitters: PubMed 17576681; PubMed 9536098.

NM_005506.4(SCARB2):c.705-3T>C

Gene: SCARB2 (scavenger receptor class B member 2; minus strand). Cytogenetic location: 4q21.1.
Variant type: single nucleotide variant.
Coding change: c.705-3T>C on transcript NM_005506.4 (MANE Select); 3 bases into the intron before coding-DNA position 705, T replaced by C.
Molecular consequence: intron variant.
Genome position (GRCh38, 1-based): chr4:76,175,913, A>G on the plus strand (T>C on the coding strand, the complement: SCARB2 is on the minus strand). VCF-style: chr4-76175913-A-G. GRCh37 (hg19) VCF-style: chr4-77097066-A-G.
Other names: c.276-3T>C (NM_001204255.2).
Identifiers: ClinVar variation 1959404 (VCV001959404.5), dbSNP rs2109943722, ClinGen allele CA2580071802.